The following is an entry in ClinVar:

NM_000419.5(ITGA2B):c.1545-8C>A

Gene: ITGA2B (integrin subunit alpha 2b; minus strand). Cytogenetic location: 17q21.31.
Variant type: single nucleotide variant.
Coding change: c.1545-8C>A on transcript NM_000419.5 (MANE Select); 8 bases into the intron before coding-DNA position 1545, C replaced by A.
Molecular consequence: intron variant.
Genome position (GRCh38, 1-based): chr17:44,380,309, G>T on the plus strand (C>A on the coding strand, the complement: ITGA2B is on the minus strand). VCF-style: chr17-44380309-G-T. GRCh37 (hg19) VCF-style: chr17-42457677-G-T.
Other names: p.?; c.1545-8C>A (LRG_479t1).
Identifiers: ClinVar variation 235314 (VCV000235314.23), dbSNP rs41361752, ClinGen allele CA8603041.

ClinVar aggregate classification (germline): Benign. Review status: reviewed by expert panel (3 of 4 stars). 7 submissions from 7 submitters: Benign (1). 6 of the submissions do not count toward it. Last evaluated 2023-09-07.

Conditions:
Glanzmann thrombasthenia. Also called: THROMBASTHENIA OF GLANZMANN AND NAEGELI; Glanzmann's thrombasthenia; Thrombasthenia; PLATELET GLYCOPROTEIN IIb-IIIa DEFICIENCY. Identifiers: Orphanet 849, MedGen C0040015, MONDO:0100326.

Allele frequency attached by ClinVar (database versions not stated): gnomAD exomes 0.00138 and 0.00357; ExAC 0.00436; gnomAD 0.01318 and 0.01409; ESP Exome Variant Server 0.01399; TOPMed 0.01470; 1000 Genomes Project 0.01518; 1000 Genomes Project 30x 0.01655.
gnomAD v4.1: 4,092 of 1,614,230 alleles (0.25%); highest among the groups gnomAD compares: African/African-American, 4.7%; 95 homozygotes.

Submissions (13):

ClinGen Platelet Disorders Variant Curation Expert Panel, ClinGen
Classification: Benign for Glanzmann thrombasthenia. Last evaluated: 2023-09-07. Review status: reviewed by expert panel. Criteria: ClinGen Platelet ACMG Specifications v2-1. Collection method: curation. Allele origin: germline. Inheritance: Autosomal recessive inheritance.
Comment: After a comprehensive literature search of the intronic variant NM_000419.5(ITGA2B):c.1545-8C>A, no individuals with Glanzmann Thrombasthenia were reported with the variant. The variant has a high minor allele frequency of 0.04631 (1156/24960 alleles) in the African/African American population, which is higher than the ClinGen PD VCEP threshold (>0.0024), and therefore meets benign criterion (BA1). In silico predictor spliceAI revealed that the intronic mutation is not expected to impact splicing and a PhyloP score of 0.57 shows that the nucleotide position is not highly conserved (BP4, BP7). In summary, this variant meets the criteria to be classified as Benign for autosomal recessive Glanzmann Thrombasthenia based on the ACMG/AMP criteria applied, as specified by the ClinGen PD VCEP: BA1, BP4 and BP7 (PD VCEP specifications version 2.1).

Labcorp Genetics (formerly Invitae), Labcorp
Classification: Benign for Glanzmann thrombasthenia. Last evaluated: 2026-01-25. Review status: criteria provided, single submitter. Criteria: Invitae Variant Classification Sherloc (09022015). Collection method: clinical testing. Allele origin: germline. Not counted in ClinVar's aggregate classification.

Mayo Clinic Laboratories, Mayo Clinic
Classification: Benign. Last evaluated: 2025-10-27. Review status: criteria provided, single submitter. Criteria: ACMG Guidelines, 2015. Collection method: clinical testing. Allele origin: germline. Observed: 5 variant alleles. Not counted in ClinVar's aggregate classification.
Comment: BA1, BP4, BP7

Illumina Laboratory Services, Illumina
Classification: Benign for Glanzmann thrombasthenia 1. Last evaluated: 2018-01-13. Review status: criteria provided, single submitter. Criteria: ICSL Variant Classification Criteria 13 December 2019. Collection method: clinical testing. Allele origin: germline. Not counted in ClinVar's aggregate classification.
Comment: This variant was observed in the ICSL laboratory as part of a predisposition screen in an ostensibly healthy population. It had not been previously curated by ICSL or reported in the Human Gene Mutation Database (HGMD: prior to June 1st, 2018), and was therefore a candidate for classification through an automated scoring system. Utilizing variant allele frequency, disease prevalence and penetrance estimates, and inheritance mode, an automated score was calculated to assess if this variant is too frequent to cause the disease. Based on the score and internal cut-off values, a variant classified as benign is not then subjected to further curation. The score for this variant resulted in a classification of benign for this disease.

Center for Pediatric Genomic Medicine, Children's Mercy Hospital and Clinics
Classification: Benign. Last evaluated: 2015-08-25. Review status: criteria provided, single submitter. Criteria: ACMG Guidelines, 2015. Collection method: clinical testing. Allele origin: germline. Not counted in ClinVar's aggregate classification.

Breakthrough Genomics
Classification: Benign. Review status: criteria provided, single submitter. Criteria: ACMG Guidelines, 2015. Collection method: not provided. Allele origin: germline. Inheritance: Autosomal recessive inheritance. Affected: yes. Not counted in ClinVar's aggregate classification.

PreventionGenetics, part of Exact Sciences
Classification: Benign. Review status: criteria provided, single submitter. Criteria: ACMG Guidelines, 2015. Collection method: clinical testing. Allele origin: germline. Not counted in ClinVar's aggregate classification.

Dr. Peter K. Rogan Lab, Western University
No classification provided (evidence only). Condition: Clear cell carcinoma of kidney. Review status: no classification provided. Collection method: in vitro. Allele origin: not applicable. Functional consequence: retained intron. Not counted in ClinVar's aggregate classification.

Dr. Peter K. Rogan Lab, Western University
No classification provided (evidence only). Condition: Acute myeloid leukemia. Review status: no classification provided. Collection method: in vitro. Allele origin: not applicable. Functional consequence: retained intron. Not counted in ClinVar's aggregate classification.

Dr. Peter K. Rogan Lab, Western University
No classification provided (evidence only). Condition: Acute myeloid leukemia. Review status: no classification provided. Collection method: in vitro. Allele origin: not applicable. Functional consequence: retained intron. Not counted in ClinVar's aggregate classification.

Dr. Peter K. Rogan Lab, Western University
No classification provided (evidence only). Condition: Uterine corpus endometrial carcinoma. Review status: no classification provided. Collection method: in vitro. Allele origin: not applicable. Functional consequence: retained intron. Not counted in ClinVar's aggregate classification.

Dr. Peter K. Rogan Lab, Western University
No classification provided (evidence only). Condition: Uterine corpus endometrial carcinoma. Review status: no classification provided. Collection method: in vitro. Allele origin: not applicable. Functional consequence: retained intron. Not counted in ClinVar's aggregate classification.

Dr. Peter K. Rogan Lab, Western University
No classification provided (evidence only). Condition: Sarcoma. Review status: no classification provided. Collection method: in vitro. Allele origin: not applicable. Functional consequence: retained intron. Not counted in ClinVar's aggregate classification.